The following is an entry in ClinVar:

NM_002336.3(LRP6):c.1222A>T (p.Ile408Phe)

Gene: LRP6 (LDL receptor related protein 6; minus strand). Cytogenetic location: 12p13.2.
Variant type: single nucleotide variant.
Coding change: c.1222A>T on transcript NM_002336.3 (MANE Select); coding-DNA position 1222, A replaced by T.
Protein change: p.Ile408Phe; replaces isoleucine 408 with phenylalanine.
Molecular consequence: missense variant. On other transcripts: non-coding transcript variant (1).
Genome position (GRCh38, 1-based): chr12:12,181,194, T>A on the plus strand (A>T on the coding strand, the complement: LRP6 is on the minus strand). VCF-style: chr12-12181194-T-A. GRCh37 (hg19) VCF-style: chr12-12334128-T-A.
Other names: c.1222A>T, p.Ile408Phe (NM_001414244.1, NM_001414245.1, NM_001414246.1 and 5 more transcripts); c.1024A>T, p.Ile342Phe (NM_001414247.1); c.769A>T, p.Ile257Phe (NM_001414252.1, NM_001414253.1, NM_001414254.1); short protein forms I342F, I408F, I257F.
Identifiers: ClinVar variation 5001775 (VCV005001775.1).
Genomic context (GRCh38, chr12:12,181,194, plus strand): 5'-CTATTCGATCAGTGCCAGTGTCTGTCCAATAAAGATTTCGTGCAACCCAGTCCACAGCAA[T>A]ACCATCAGGATGGGCAATTTGAGCAGTGACCACAAACTGACTGCCAGATCCATCTATAAA-3'
Protein context (NP_002327.2, residues 398-418): VTAQIAHPDG[Ile408Phe]AVDWVARNLY

ClinVar aggregate classification (germline): Uncertain significance (1 of 4 stars; one submission).

Conditions:
LRP6-related disorder. Also called: LRP6-related condition.

Submission:

PreventionGenetics, part of Exact Sciences
Classification: Uncertain significance for LRP6-related condition. Last evaluated: 2025-01-23. Review status: criteria provided, single submitter. Criteria: ACMG Guidelines, 2015. Collection method: clinical testing. Allele origin: germline.
Comment: The LRP6 c.1222A>T variant is predicted to result in the amino acid substitution p.Ile408Phe. To our knowledge, this variant has not been reported in the literature or in a large population database (gnomAD), indicating this variant is rare. At this time, the clinical significance of this variant is uncertain due to the absence of conclusive functional and genetic evidence.